The following is an entry in ClinVar:

NM_006277.3(ITSN2):c.4705G>A (p.Gly1569Arg)

Gene: ITSN2 (intersectin 2; minus strand). Cytogenetic location: 2p23.3.
Variant type: single nucleotide variant.
Coding change: c.4705G>A on transcript NM_006277.3 (MANE Select); coding-DNA position 4705, G replaced by A.
Protein change: p.Gly1569Arg; replaces glycine 1569 with arginine.
Molecular consequence: missense variant.
Genome position (GRCh38, 1-based): chr2:24,205,271, C>T on the plus strand (G>A on the coding strand, the complement: ITSN2 is on the minus strand). VCF-style: chr2-24205271-C-T. GRCh37 (hg19) VCF-style: chr2-24428140-C-T.
Other names: c.4663G>A, p.Gly1555Arg (NM_001348181.2); c.4585G>A, p.Gly1529Arg (NM_001348182.2); c.4624G>A, p.Gly1542Arg (NM_019595.4); short protein forms G1529R, G1542R, G1555R, G1569R.
Identifiers: ClinVar variation 3051446 (VCV003051446.2), dbSNP rs375882726, ClinGen allele CA1550464.

ClinVar aggregate classification (germline): Likely benign (0 of 4 stars; one submission).

Conditions:
ITSN2-related disorder. Also called: ITSN2-related condition.

Allele frequency attached by ClinVar (database versions not stated): TOPMed 0.00001; gnomAD 0.00013; 1000 Genomes Project 30x 0.00047; 1000 Genomes Project 0.00060; ExAC 0.00060.

Submission:

PreventionGenetics, part of Exact Sciences
Classification: Likely benign for ITSN2-related condition. Last evaluated: 2022-12-20. Review status: no assertion criteria provided. Collection method: clinical testing. Allele origin: germline.
Comment: This variant is classified as likely benign based on ACMG/AMP sequence variant interpretation guidelines (Richards et al. 2015 PMID: 25741868, with internal and published modifications).